The following is an entry in ClinVar:

NM_004329.3(BMPR1A):c.771A>T (p.Lys257Asn)

Gene: BMPR1A (bone morphogenetic protein receptor type 1A; plus strand). Cytogenetic location: 10q23.2.
Variant type: single nucleotide variant.
Coding change: c.771A>T on transcript NM_004329.3 (MANE Select); coding-DNA position 771, A replaced by T.
Protein change: p.Lys257Asn; replaces lysine 257 with asparagine.
Molecular consequence: missense variant. On other transcripts: non-coding transcript variant (3).
Genome position (GRCh38, 1-based): chr10:86,917,229, A>T. VCF-style: chr10-86917229-A-T. GRCh37 (hg19) VCF-style: chr10-88676986-A-T.
Other names: c.846A>T, p.Lys282Asn (NM_001406559.1); c.819A>T, p.Lys273Asn (NM_001406560.1); c.771A>T, p.Lys257Asn (NM_001406561.1, NM_001406562.1, NM_001406563.1 and 19 more transcripts); c.765A>T, p.Lys255Asn (NM_001406583.1); c.687A>T, p.Lys229Asn (NM_001406584.1, NM_001406585.1, NM_001406586.1 and 2 more transcripts); c.429A>T, p.Lys143Asn (NM_001406589.1); short protein forms K143N, K229N, K255N, K257N, K273N, K282N.
Identifiers: ClinVar variation 2573521 (VCV002573521.1), dbSNP rs2539603910, ClinGen allele CA377457871.
Genomic context (GRCh38, chr10:86,917,229, plus strand): 5'-CCGGCAAGTTGGTAAAGGCCGATATGGAGAAGTATGGATGGGCAAATGGCGTGGCGAAAA[A>T]GTGGCGGTGAAAGTATTCTTTACCACTGAAGAAGCCAGCTGGTTTCGAGAAACAGAAATC-3'
Protein context (NP_004320.2, residues 247-267): EVWMGKWRGE[Lys257Asn]VAVKVFFTTE

ClinVar aggregate classification (germline): Uncertain significance (1 of 4 stars; one submission).

Submission:

Women's Health and Genetics/Laboratory Corporation of America, LabCorp
Classification: Uncertain significance. Last evaluated: 2023-06-12. Review status: criteria provided, single submitter. Criteria: LabCorp Variant Classification Summary - May 2015. Collection method: clinical testing. Allele origin: germline.
Comment: Variant summary: BMPR1A c.771A>T (p.Lys257Asn) results in a non-conservative amino acid change located in the Protein kinase domain (IPR000719) of the encoded protein sequence. Three of five in-silico tools predict a benign effect of the variant on protein function. The variant was absent in 250860 control chromosomes. The available data on variant occurrences in the general population are insufficient to allow any conclusion about variant significance. To our knowledge, no occurrence of c.771A>T in individuals affected with Juvenile Polyposis Syndrome and no experimental evidence demonstrating its impact on protein function have been reported. No clinical diagnostic laboratories have submitted clinical-significance assessments for this variant to ClinVar after 2014. Based on the evidence outlined above, the variant was classified as uncertain significance.